The following is an entry in ClinVar:

ClinVar aggregate classification (germline): Uncertain significance (1 of 4 stars; one submission).

Conditions:
Inborn genetic diseases. Identifiers: MedGen C0950123, MeSH D030342.

gnomAD v4.1: 2 of 1,608,664 alleles (0.00012%); highest among the groups gnomAD compares: Non-Finnish European, 0.000085%; no homozygotes.

Submission:

Ambry Genetics
Classification: Uncertain significance for Inborn genetic diseases. Last evaluated: 2026-04-20. Review status: criteria provided, single submitter. Criteria: Ambry Variant Classification Scheme 2023. Collection method: clinical testing. Allele origin: germline.
Comment: The p.E224K variant (also known as c.670G>A), located in coding exon 5 of the RECQL4 gene, results from a G to A substitution at nucleotide position 670. The glutamic acid at codon 224 is replaced by lysine, an amino acid with similar properties. This amino acid position is conserved. In addition, this alteration is predicted to be tolerated by in silico analysis. Based on the available evidence, the clinical significance of this variant remains unclear.

NM_004260.4(RECQL4):c.670G>A (p.Glu224Lys)

Gene: RECQL4 (RecQ like helicase 4; minus strand). Cytogenetic location: 8q24.3.
Variant type: single nucleotide variant.
Coding change: c.670G>A on transcript NM_004260.4 (MANE Select); coding-DNA position 670, G replaced by A.
Protein change: p.Glu224Lys; replaces glutamic acid 224 with lysine.
Molecular consequence: missense variant. On other transcripts: 5 prime UTR variant (15), non-coding transcript variant (3), intron variant (3).
Genome position (GRCh38, 1-based): chr8:144,516,449, C>T on the plus strand (G>A on the coding strand, the complement: RECQL4 is on the minus strand). VCF-style: chr8-144516449-C-T. GRCh37 (hg19) VCF-style: chr8-145741833-C-T.
Other names: c.-402G>A (NM_001413042.1, NM_001413022.1, NM_001413023.1 and 5 more transcripts); c.-671G>A (NM_001413043.1); c.355-36G>A (NM_001413029.1); c.-366-36G>A (NM_001413021.1, NM_001413028.1); c.670G>A, p.Glu224Lys (NM_001413019.1, NM_001413020.1, NM_001413033.1 and 4 more transcripts); c.541G>A, p.Glu181Lys (NM_001413025.1); c.-464G>A (NM_001413027.1, NM_001413030.1, NM_001413031.1 and 2 more transcripts); c.-306G>A (NM_001413034.1); short protein forms E181K, E224K.
Identifiers: ClinVar variation 4863170 (VCV004863170.1).
Genomic context (GRCh38, chr8:144,516,449, plus strand): 5'-CTTGGAAGGCTGAAGCCTCTGGGCCCTGGGAGCCAGCACCAGGACCAAGGACAGCCGACT[C>T]ACCAGGGATCAGAAGTTGTGATTCCTCTGAGCCTAGATCAGGCCTGCAGGCTTTGGGGGC-3'
Protein context (NP_004251.4, residues 214-234): SEESQLLIPG[Glu224Lys]SAVLGPGAGS